The following is an entry in ClinVar:

NM_000492.4(CFTR):c.4346T>C (p.Leu1449Pro)

Genes: CFTR (CF transmembrane conductance regulator; plus strand), LOC111674477 (CFTR intron 23 enhancer; plus strand). Cytogenetic location: 7q31.2.
Variant type: single nucleotide variant.
Coding change: c.4346T>C on transcript NM_000492.4 (MANE Select); coding-DNA position 4346, T replaced by C.
Protein change: p.Leu1449Pro; replaces leucine 1449 with proline.
Molecular consequence: missense variant.
Genome position (GRCh38, 1-based): chr7:117,667,011, T>C. VCF-style: chr7-117667011-T-C. GRCh37 (hg19) VCF-style: chr7-117307065-T-C.
Other names: short protein forms L1449P.
Identifiers: ClinVar variation 2453637 (VCV002453637.2), dbSNP rs2485185756, ClinGen allele CA368985054.

ClinVar aggregate classification (germline): Uncertain significance (1 of 4 stars; one submission).

Conditions:
Cystic fibrosis (CF). Also called: MUCOVISCIDOSIS. Identifiers: Orphanet 586, MedGen C0010674, MONDO:0009061, OMIM 219700. Disease mechanism: loss of function.

Submission:

Ambry Genetics
Classification: Uncertain significance for Cystic fibrosis. Last evaluated: 2023-01-11. Review status: criteria provided, single submitter. Criteria: Ambry Variant Classification Scheme 2023. Collection method: clinical testing. Allele origin: germline.
Comment: The p.L1449P variant (also known as c.4346T>C), located in coding exon 27 of the CFTR gene, results from a T to C substitution at nucleotide position 4346. The leucine at codon 1449 is replaced by proline, an amino acid with similar properties. This amino acid position is conserved. In addition, this alteration is predicted to be deleterious by in silico analysis. Since supporting evidence is limited at this time, the clinical significance of this alteration remains unclear.